The following is an entry in ClinVar:

NM_022455.5(NSD1):c.5462G>A (p.Ser1821Asn)

Genes: NSD1 (nuclear receptor binding SET domain protein 1; plus strand), LOC126807619 (MED14-independent group 3 enhancer GRCh37_chr5:176696443-176697642; plus strand). Cytogenetic location: 5q35.3.
Variant type: single nucleotide variant.
Coding change: c.5462G>A on transcript NM_022455.5 (MANE Select); coding-DNA position 5462, G replaced by A.
Protein change: p.Ser1821Asn; replaces serine 1821 with asparagine.
Molecular consequence: missense variant.
Genome position (GRCh38, 1-based): chr5:177,269,760, G>A. VCF-style: chr5-177269760-G-A. GRCh37 (hg19) VCF-style: chr5-176696761-G-A.
Other names: c.4589G>A, p.Ser1530Asn (NM_001365684.2, NM_001409308.1, NM_001409309.1 and 1 more transcripts); c.5462G>A, p.Ser1821Asn (NM_001409301.1, NM_001409302.1, NM_001409303.1); c.5042G>A, p.Ser1681Asn (NM_001409304.1); c.4709G>A, p.Ser1570Asn (NM_001409305.1); c.4700G>A, p.Ser1567Asn (NM_001409306.1, NM_001409307.1); short protein forms S1552N, S1821N, S1570N, S1681N, S1530N, S1567N.
Identifiers: ClinVar variation 948872 (VCV000948872.10), dbSNP rs1757805156, ClinGen allele CA362307086.

ClinVar aggregate classification (germline): Uncertain significance (1 of 4 stars; one submission).

Submission:

Labcorp Genetics (formerly Invitae), Labcorp
Classification: Uncertain significance. Last evaluated: 2019-07-29. Review status: criteria provided, single submitter. Criteria: Invitae Variant Classification Sherloc (09022015). Collection method: clinical testing. Allele origin: germline.
Comment: This variant is not present in population databases (ExAC no frequency). This sequence change replaces serine with asparagine at codon 1821 of the NSD1 protein (p.Ser1821Asn). The serine residue is moderately conserved and there is a small physicochemical difference between serine and asparagine. This variant has not been reported in the literature in individuals with NSD1-related conditions. In summary, the available evidence is currently insufficient to determine the role of this variant in disease. Therefore, it has been classified as a Variant of Uncertain Significance. Algorithms developed to predict the effect of missense changes on protein structure and function (SIFT, PolyPhen-2, Align-GVGD) all suggest that this variant is likely to be tolerated, but these predictions have not been confirmed by published functional studies and their clinical significance is uncertain.